The following is an entry in ClinVar:

ClinVar aggregate classification (germline): Uncertain significance (1 of 4 stars; one submission).

Conditions:
Inborn genetic diseases. Identifiers: MedGen C0950123, MeSH D030342.

gnomAD v4.1: 2 of 1,609,502 alleles (0.00012%); highest among the groups gnomAD compares: Non-Finnish European, 0.00017%; no homozygotes.

Submission:

Ambry Genetics
Classification: Uncertain significance for Inborn genetic diseases. Last evaluated: 2024-12-01. Review status: criteria provided, single submitter. Criteria: Ambry Variant Classification Scheme 2023. Collection method: clinical testing. Allele origin: germline.
Comment: The p.R182S variant (also known as c.544C>A), located in coding exon 4 of the ELANE gene, results from a C to A substitution at nucleotide position 544. The arginine at codon 182 is replaced by serine, an amino acid with dissimilar properties. This amino acid position is conserved. In addition, the in silico prediction for this alteration is inconclusive. Based on the available evidence, the clinical significance of this variant remains unclear.

NM_001972.4(ELANE):c.544C>A (p.Arg182Ser)

Gene: ELANE (elastase, neutrophil expressed; plus strand). Cytogenetic location: 19p13.3.
Variant type: single nucleotide variant.
Coding change: c.544C>A on transcript NM_001972.4 (MANE Select); coding-DNA position 544, C replaced by A.
Protein change: p.Arg182Ser; replaces arginine 182 with serine.
Molecular consequence: missense variant.
Genome position (GRCh38, 1-based): chr19:855,741, C>A. VCF-style: chr19-855741-C-A. GRCh37 (hg19) VCF-style: chr19-855741-C-A.
Other names: short protein forms R182S.
Identifiers: ClinVar variation 3507765 (VCV003507765.1).